The following is an entry in ClinVar:

NM_004461.3(FARSA):c.1022A>G (p.Gln341Arg)

Gene: FARSA (phenylalanyl-tRNA synthetase subunit alpha; minus strand). Cytogenetic location: 19p13.13.
Variant type: single nucleotide variant.
Coding change: c.1022A>G on transcript NM_004461.3 (MANE Select); coding-DNA position 1022, A replaced by G.
Protein change: p.Gln341Arg; replaces glutamine 341 with arginine.
Molecular consequence: missense variant.
Genome position (GRCh38, 1-based): chr19:12,924,908, T>C on the plus strand (A>G on the coding strand, the complement: FARSA is on the minus strand). VCF-style: chr19-12924908-T-C. GRCh37 (hg19) VCF-style: chr19-13035722-T-C.
Other names: short protein forms Q341R.
Identifiers: ClinVar variation 3056814 (VCV003056814.2), dbSNP rs35087277, ClinGen allele CA9235194.

ClinVar aggregate classification (germline): Benign (0 of 4 stars; one submission).

Conditions:
FARSA-related disorder. Also called: FARSA-related condition.

Allele frequency attached by ClinVar (database versions not stated): 1000 Genomes Project 0.00759; 1000 Genomes Project 30x 0.00765; TOPMed 0.01761; ExAC 0.02115; gnomAD 0.02156; ESP Exome Variant Server 0.02230; gnomAD exomes 0.03022.
gnomAD v4.1: 47,236 of 1,614,218 alleles (2.9%); highest among the groups gnomAD compares: Non-Finnish European, 3.4%; 843 homozygotes.

Submission:

PreventionGenetics, part of Exact Sciences
Classification: Benign for FARSA-related condition. Last evaluated: 2019-07-19. Review status: no assertion criteria provided. Collection method: clinical testing. Allele origin: germline.
Comment: This variant is classified as benign based on ACMG/AMP sequence variant interpretation guidelines (Richards et al. 2015 PMID: 25741868, with internal and published modifications).